The following is an entry in ClinVar:

NM_001080517.3(SETD5):c.628A>G (p.Ile210Val)

Gene: SETD5 (SET domain containing 5; plus strand). Cytogenetic location: 3p25.3.
Variant type: single nucleotide variant.
Coding change: c.628A>G on transcript NM_001080517.3 (MANE Select); coding-DNA position 628, A replaced by G.
Protein change: p.Ile210Val; replaces isoleucine 210 with valine.
Molecular consequence: missense variant.
Genome position (GRCh38, 1-based): chr3:9,440,516, A>G. VCF-style: chr3-9440516-A-G. GRCh37 (hg19) VCF-style: chr3-9482200-A-G.
Other names: c.334A>G, p.Ile112Val (NM_001292043.2, NM_001349451.2); short protein forms I112V, I210V.
Identifiers: ClinVar variation 3390272 (VCV003390272.14).

ClinVar aggregate classification (germline): Uncertain significance (1 of 4 stars; one submission).

Submission:

CeGaT Center for Human Genetics Tuebingen
Classification: Uncertain significance. Last evaluated: 2024-11-01. Review status: criteria provided, single submitter. Criteria: CeGaT Center For Human Genetics Tuebingen Variant Classification Criteria Version 2. Collection method: clinical testing. Allele origin: germline. Affected: yes. Observed: 1 variant allele.
Comment: SETD5: PM2, PP3